The following is an entry in ClinVar:

ClinVar aggregate classification (germline): Likely benign (1 of 4 stars; one submission).

Submission:

GeneDx
Classification: Likely benign. Last evaluated: 2024-12-10. Review status: criteria provided, single submitter. Criteria: GeneDx Variant Classification Process June 2021. Collection method: clinical testing. Allele origin: germline.
Comment: See Variant Classification Assertion Criteria.

NM_001323289.2(CDKL5):c.893A>G (p.Gln298Arg)

Gene: CDKL5 (cyclin dependent kinase like 5; plus strand). Cytogenetic location: Xp22.13.
Variant type: single nucleotide variant.
Coding change: c.893A>G on transcript NM_001323289.2 (MANE Select); coding-DNA position 893, A replaced by G.
Protein change: p.Gln298Arg; replaces glutamine 298 with arginine.
Molecular consequence: missense variant.
Genome position (GRCh38, 1-based): chrX:18,598,529, A>G. VCF-style: chrX-18598529-A-G. GRCh37 (hg19) VCF-style: chrX-18616649-A-G.
Other names: c.893A>G, p.Gln298Arg (NM_001037343.2, NM_003159.3); short protein forms Q298R.
Identifiers: ClinVar variation 2499791 (VCV002499791.2), dbSNP rs2518867887, ClinGen allele CA412356066.